The following is an entry in ClinVar:

ClinVar aggregate classification (germline): Uncertain significance. Review status: criteria provided, multiple submitters, no conflicts (2 of 4 stars). 3 submissions from 3 submitters: Uncertain significance (2). 1 of the submissions does not count toward it. Last evaluated 2025-12-17.

Conditions:
Early-infantile DEE. Also called: Ohtahara syndrome; Early infantile epileptic encephalopathy; Early infantile epileptic encephalopathy with suppression bursts. Identifiers: Orphanet 1934, MedGen C0393706, MONDO:0800491.
SCN8A-related disorder.

Allele frequency attached by ClinVar (database versions not stated): gnomAD 0.00001; gnomAD exomes below 0.00001; TOPMed 0.00001.
gnomAD v4.1: 10 of 1,614,004 alleles (0.00062%); highest among the groups gnomAD compares: Admixed American, 0.0017%; no homozygotes.

Submissions (3):

Labcorp Genetics (formerly Invitae), Labcorp
Classification: Uncertain significance for Early-infantile DEE. Last evaluated: 2025-12-17. Review status: criteria provided, single submitter. Criteria: Invitae Variant Classification Sherloc (09022015). Collection method: clinical testing. Allele origin: germline.
Comment: This sequence change replaces tyrosine, which is neutral and polar, with cysteine, which is neutral and slightly polar, at codon 1241 of the SCN8A protein (p.Tyr1241Cys). The frequency data for this variant in the population databases is considered unreliable, as metrics indicate poor data quality at this position in the gnomAD database. This missense change has been observed in individual(s) with SCN8A-related conditions (PMID: 30968951). ClinVar contains an entry for this variant (Variation ID: 207115). Invitae Evidence Modeling of protein sequence and biophysical properties (such as structural, functional, and spatial information, amino acid conservation, physicochemical variation, residue mobility, and thermodynamic stability) indicates that this missense variant is expected to disrupt SCN8A protein function with a positive predictive value of 95%. In summary, the available evidence is currently insufficient to determine the role of this variant in disease. Therefore, it has been classified as a Variant of Uncertain Significance.

GeneDx
Classification: Uncertain significance. Last evaluated: 2017-11-01. Review status: criteria provided, single submitter. Criteria: GeneDx Variant Classification (06012015). Collection method: clinical testing. Allele origin: germline. Affected: yes.
Comment: p.Tyr1241Cys (TAT>TGT): c.3722 A>G in exon 20 of the SCN8A gene (NM_014191.3). The Tyr1241Cys missense change in the SCN8A gene has not been published as a mutation, nor has it been reported as a benign polymorphism to our knowledge. It was not observed in approximately 6,500 individuals of European and African American ancestry in the NHLBI Exome Sequencing Project, indicating it is not a common benign variant in these populations. The Tyr1241Cys variant is a non-conservative amino acid substitution as these residues differ in polarity, charge, size, and/or other properties and is more likely to impact the secondary structure of the protein. In silico analysis predicts this variant is probably damaging to the protein structure/function. It alters a conserved position in the S2 transmembrane domain of the third homologous repeat; however, missense mutations associated with epilepsy have not been reported in this region of the gene. Therefore, based on the currently available information, it is unclear whether Tyr1241Cys is a disease-causing mutation or a rare benign variant. The variant is found in EPILEPSY panel(s).

PreventionGenetics, part of Exact Sciences
Classification: Uncertain significance for SCN8A-related condition. Last evaluated: 2024-06-06. Review status: no assertion criteria provided. Collection method: clinical testing. Allele origin: germline. Not counted in ClinVar's aggregate classification.
Comment: The SCN8A c.3722A>G variant is predicted to result in the amino acid substitution p.Tyr1241Cys. This variant was reported as a variant of uncertain significance in an individual with Epilepsy (Johannesen et al. 2019. PubMed ID: 30968951). This variant is reported in 0.0033% of alleles in individuals of South Asian descent in gnomAD. At this time, the clinical significance of this variant is uncertain due to the absence of conclusive functional and genetic evidence.

Literature cited by the submitters: PubMed 30968951 (cited by Labcorp Genetics (formerly Invitae), Labcorp).

NM_001330260.2(SCN8A):c.3722A>G (p.Tyr1241Cys)

Gene: SCN8A (sodium voltage-gated channel alpha subunit 8; plus strand). Cytogenetic location: 12q13.13.
Variant type: single nucleotide variant.
Coding change: c.3722A>G on transcript NM_001330260.2 (MANE Select); coding-DNA position 3722, A replaced by G.
Protein change: p.Tyr1241Cys; replaces tyrosine 1241 with cysteine.
Molecular consequence: missense variant.
Genome position (GRCh38, 1-based): chr12:51,774,265, A>G. VCF-style: chr12-51774265-A-G. GRCh37 (hg19) VCF-style: chr12-52168049-A-G.
Other names: p.Y1241C:TAT>TGT; c.3722A>G, p.Tyr1241Cys (NM_001177984.3, NM_001369788.1, NM_014191.4); short protein forms Y1241C.
Identifiers: ClinVar variation 207115 (VCV000207115.6), dbSNP rs796053213, ClinGen allele CA318268.